The following is an entry in ClinVar:

ClinVar aggregate classification (germline): Uncertain significance (1 of 4 stars; one submission).

Submission:

Ambry Genetics
Classification: Uncertain significance. Last evaluated: 2025-03-09. Review status: criteria provided, single submitter. Criteria: Ambry Variant Classification Scheme 2023. Collection method: clinical testing. Allele origin: germline.
Comment: The p.L1453P variant (also known as c.4358T>C), located in coding exon 19 of the WNK2 gene, results from a T to C substitution at nucleotide position 4358. The leucine at codon 1453 is replaced by proline, an amino acid with similar properties. This amino acid position is conserved. In addition, this alteration is predicted to be tolerated by in silico analysis. Based on the available evidence, the clinical significance of this variant remains unclear.

NM_006648.4(WNK2):c.4358T>C (p.Leu1453Pro)

Gene: WNK2 (WNK lysine deficient protein kinase 2; plus strand). Cytogenetic location: 9q22.31.
Variant type: single nucleotide variant.
Coding change: c.4358T>C on transcript NM_006648.4 (MANE Select); coding-DNA position 4358, T replaced by C.
Protein change: p.Leu1453Pro; replaces leucine 1453 with proline.
Molecular consequence: missense variant.
Genome position (GRCh38, 1-based): chr9:93,289,112, T>C. VCF-style: chr9-93289112-T-C. GRCh37 (hg19) VCF-style: chr9-96051394-T-C.
Other names: c.4469T>C, p.Leu1490Pro (NM_001282394.3); short protein forms L1453P, L1490P.
Identifiers: ClinVar variation 3817250 (VCV003817250.1).